The following is an entry in ClinVar:

ClinVar aggregate classification (germline): Uncertain significance. Review status: criteria provided, multiple submitters, no conflicts (2 of 4 stars). 2 submissions from 2 submitters: Uncertain significance (2). Last evaluated 2025-03-15.

Conditions:
EGFR-related lung cancer (EGFR). Identifiers: MedGen CN130014.
Hereditary cancer-predisposing syndrome. Also called: Hereditary neoplastic syndrome; Hereditary Cancer Syndrome; Neoplastic Syndromes, Hereditary; Tumor predisposition. Identifiers: Orphanet 140162, MedGen C0027672, MeSH D009386, MONDO:0015356.

Allele frequency attached by ClinVar (database versions not stated): gnomAD 0.00001; gnomAD exomes 0.00001 and 0.00002; ExAC 0.00003.
gnomAD v4.1: 7 of 1,613,996 alleles (0.00043%); highest among the groups gnomAD compares: Admixed American, 0.01%; no homozygotes.

Submissions (2):

Ambry Genetics
Classification: Uncertain significance for Hereditary cancer-predisposing syndrome. Last evaluated: 2025-03-15. Review status: criteria provided, single submitter. Criteria: Ambry Variant Classification Scheme 2023. Collection method: clinical testing. Allele origin: germline.
Comment: The p.G1022D variant (also known as c.3065G>A), located in coding exon 25 of the EGFR gene, results from a G to A substitution at nucleotide position 3065. The glycine at codon 1022 is replaced by aspartic acid, an amino acid with similar properties. This amino acid position is conserved. In addition, the in silico prediction for this alteration is inconclusive. Based on the available evidence, the clinical significance of this variant remains unclear.

Labcorp Genetics (formerly Invitae), Labcorp
Classification: Uncertain significance for EGFR-related lung cancer. Last evaluated: 2024-06-05. Review status: criteria provided, single submitter. Criteria: Invitae Variant Classification Sherloc (09022015). Collection method: clinical testing. Allele origin: germline.
Comment: This sequence change replaces glycine, which is neutral and non-polar, with aspartic acid, which is acidic and polar, at codon 1022 of the EGFR protein (p.Gly1022Asp). This variant is present in population databases (rs747726185, gnomAD 0.02%). This variant has not been reported in the literature in individuals affected with EGFR-related conditions. ClinVar contains an entry for this variant (Variation ID: 1405556). An algorithm developed to predict the effect of missense changes on protein structure and function (PolyPhen-2) suggests that this variant is likely to be disruptive. In summary, the available evidence is currently insufficient to determine the role of this variant in disease. Therefore, it has been classified as a Variant of Uncertain Significance.

NM_005228.5(EGFR):c.3065G>A (p.Gly1022Asp)

Gene: EGFR (epidermal growth factor receptor; plus strand). Cytogenetic location: 7p11.2.
Variant type: single nucleotide variant.
Coding change: c.3065G>A on transcript NM_005228.5 (MANE Select); coding-DNA position 3065, G replaced by A.
Protein change: p.Gly1022Asp; replaces glycine 1022 with aspartic acid.
Molecular consequence: missense variant.
Genome position (GRCh38, 1-based): chr7:55,201,306, G>A. VCF-style: chr7-55201306-G-A. GRCh37 (hg19) VCF-style: chr7-55268999-G-A.
Other names: c.2930G>A, p.Gly977Asp (NM_001346897.2, NM_001346899.2); c.3065G>A, p.Gly1022Asp (NM_001346898.2); c.2906G>A, p.Gly969Asp (NM_001346900.2); c.2264G>A, p.Gly755Asp (NM_001346941.2); c.3065G>A (NM_005228.3); short protein forms G1022D, G755D, G969D, G977D.
Identifiers: ClinVar variation 1405556 (VCV001405556.7), dbSNP rs747726185, ClinGen allele CA4266248.